The following is an entry in ClinVar:

ClinVar aggregate classification (germline): Uncertain significance (1 of 4 stars; one submission).

Conditions:
Hereditary cancer-predisposing syndrome. Also called: Neoplastic Syndromes, Hereditary; Tumor predisposition; Hereditary neoplastic syndrome; Hereditary Cancer Syndrome. Identifiers: Orphanet 140162, MedGen C0027672, MeSH D009386, MONDO:0015356.

Allele frequency attached by ClinVar (database versions not stated): gnomAD 0.00001.
gnomAD v4.1: 1 of 151,718 alleles (0.00066%); highest among the groups gnomAD compares: Non-Finnish European, 0.0015%; no homozygotes.

Submission:

Ambry Genetics
Classification: Uncertain significance for Hereditary cancer-predisposing syndrome. Last evaluated: 2021-12-17. Review status: criteria provided, single submitter. Criteria: Ambry Variant Classification Scheme 2023. Collection method: clinical testing. Allele origin: germline.
Comment: The c.4910-943G>C intronic alteration consists of a G to C substitution 943 nucleotides before coding exon 32 in the ATM gene. Based on insufficient or conflicting evidence, the clinical significance of this alteration remains unclear.

NM_000051.4(ATM):c.4910-943G>C

Gene: ATM (ATM serine/threonine kinase; plus strand). Cytogenetic location: 11q22.3.
Variant type: single nucleotide variant.
Coding change: c.4910-943G>C on transcript NM_000051.4 (MANE Select); 943 bases into the intron before coding-DNA position 4910, G replaced by C.
Molecular consequence: intron variant.
Genome position (GRCh38, 1-based): chr11:108,296,344, G>C. VCF-style: chr11-108296344-G-C. GRCh37 (hg19) VCF-style: chr11-108167071-G-C.
Other names: c.4910-943G>C (NM_001351834.2).
Identifiers: ClinVar variation 3131074 (VCV003131074.1), dbSNP rs1277364578, ClinGen allele CA671411169.